The following is an entry in ClinVar:

NM_207361.6(FREM2):c.8341C>T (p.Arg2781Cys)

Gene: FREM2 (FRAS1 related extracellular matrix 2; plus strand). Cytogenetic location: 13q13.3.
Variant type: single nucleotide variant.
Coding change: c.8341C>T on transcript NM_207361.6 (MANE Select); coding-DNA position 8341, C replaced by T.
Protein change: p.Arg2781Cys; replaces arginine 2781 with cysteine.
Molecular consequence: missense variant.
Genome position (GRCh38, 1-based): chr13:38,876,081, C>T. VCF-style: chr13-38876081-C-T. GRCh37 (hg19) VCF-style: chr13-39450218-C-T.
Other names: short protein forms R2781C.
Identifiers: ClinVar variation 1911293 (VCV001911293.3), dbSNP rs144909334, ClinGen allele CA6956115.

ClinVar aggregate classification (germline): Uncertain significance. Review status: criteria provided, multiple submitters, no conflicts (2 of 4 stars). 2 submissions from 2 submitters: Uncertain significance (2). Last evaluated 2024-03-07.

Conditions:
Fraser syndrome 2 (FRASRS2). Identifiers: MedGen C4540036, MONDO:0054738, OMIM 617666.
Isolated cryptophthalmia. Also called: Cryptophthalmos, unilateral or bilateral, isolated; ANKYLOBLEPHARON, SIMPLE. Identifiers: Orphanet 91396, MedGen C1852453, MONDO:0007410, OMIM 123570.

Allele frequency attached by ClinVar (database versions not stated): ExAC 0.00002; gnomAD 0.00002; TOPMed 0.00002; gnomAD exomes 0.00003; ESP Exome Variant Server 0.00008.
gnomAD v4.1: 40 of 1,613,894 alleles (0.0025%); highest among the groups gnomAD compares: Non-Finnish European, 0.003%; no homozygotes.

Submissions (2):

Fulgent Genetics
Classification: Uncertain significance for Isolated cryptophthalmia; Fraser syndrome 2. Last evaluated: 2024-03-07. Review status: criteria provided, single submitter. Criteria: ACMG Guidelines, 2015. Collection method: clinical testing. Allele origin: germline.

Labcorp Genetics (formerly Invitae), Labcorp
Classification: Uncertain significance. Last evaluated: 2022-03-04. Review status: criteria provided, single submitter. Criteria: Invitae Variant Classification Sherloc (09022015). Collection method: clinical testing. Allele origin: germline.
Comment: This sequence change replaces arginine, which is basic and polar, with cysteine, which is neutral and slightly polar, at codon 2781 of the FREM2 protein (p.Arg2781Cys). This variant is present in population databases (rs144909334, gnomAD 0.002%). This variant has not been reported in the literature in individuals affected with FREM2-related conditions. Algorithms developed to predict the effect of missense changes on protein structure and function are either unavailable or do not agree on the potential impact of this missense change (SIFT: "Deleterious"; PolyPhen-2: "Benign"; Align-GVGD: "Class C0"). In summary, the available evidence is currently insufficient to determine the role of this variant in disease. Therefore, it has been classified as a Variant of Uncertain Significance.